The following is an entry in ClinVar:

NM_003803.4(MYOM1):c.4792G>A (p.Gly1598Arg)

Gene: MYOM1 (myomesin 1; minus strand). Cytogenetic location: 18p11.31.
Variant type: single nucleotide variant.
Coding change: c.4792G>A on transcript NM_003803.4 (MANE Select); coding-DNA position 4792, G replaced by A.
Protein change: p.Gly1598Arg; replaces glycine 1598 with arginine.
Molecular consequence: missense variant.
Genome position (GRCh38, 1-based): chr18:3,067,528, C>T on the plus strand (G>A on the coding strand, the complement: MYOM1 is on the minus strand). VCF-style: chr18-3067528-C-T. GRCh37 (hg19) VCF-style: chr18-3067526-C-T.
Other names: c.4504G>A, p.Gly1502Arg (NM_019856.2); short protein forms G1598R, G1502R.
Identifiers: ClinVar variation 524951 (VCV000524951.14), dbSNP rs764839969, ClinGen allele CA8873760.
Genomic context (GRCh38, chr18:3,067,528, plus strand): 5'-GGTCGTCTGAGGCCAGGGCCTTCTCGTTCTTCAACCACGACACCTCCGGAGGCGGGTCTC[C>T]CCACACGTTGCAAGTGAGATTAAGGGCCTGCAAGACAGGTTTTATGGGAGAGAAGAAGAT-3'
Protein context (NP_003794.3, residues 1588-1608): KALNLTCNVW[Gly1598Arg]DPPPEVSWLK

ClinVar aggregate classification (germline): Conflicting classifications of pathogenicity. Review status: criteria provided, conflicting classifications (1 of 4 stars). 2 submissions from 2 submitters: Uncertain significance (1); Likely benign (1). Last evaluated 2025-12-23.

Conditions:
Hypertrophic cardiomyopathy. Also called: HYPERTROPHIC MYOCARDIOPATHY. Identifiers: Orphanet 217569, MedGen C0007194, MeSH D002312, MONDO:0005045, HP:0001639.

Allele frequency attached by ClinVar (database versions not stated): gnomAD 0.00011 and 0.00013; TOPMed 0.00012; gnomAD exomes 0.00017 and 0.00023; ExAC 0.00021.
gnomAD v4.1: 274 of 1,613,652 alleles (0.017%); highest among the groups gnomAD compares: South Asian, 0.079%; no homozygotes.

Submissions (2):

Labcorp Genetics (formerly Invitae), Labcorp
Classification: Likely benign for Hypertrophic cardiomyopathy. Last evaluated: 2025-12-23. Review status: criteria provided, single submitter. Criteria: Invitae Variant Classification Sherloc (09022015). Collection method: clinical testing. Allele origin: germline.

Ambry Genetics
Classification: Uncertain significance. Last evaluated: 2025-02-10. Review status: criteria provided, single submitter. Criteria: Ambry Variant Classification Scheme 2023. Collection method: clinical testing. Allele origin: germline.
Comment: The p.G1598R variant (also known as c.4792G>A), located in coding exon 37 of the MYOM1 gene, results from a G to A substitution at nucleotide position 4792. The glycine at codon 1598 is replaced by arginine, an amino acid with dissimilar properties. This amino acid position is conserved. In addition, this alteration is predicted to be deleterious by in silico analysis. Since supporting evidence is limited at this time, the clinical significance of this alteration remains unclear.